The following is an entry in ClinVar:

NM_000214.3(JAG1):c.2942G>A (p.Ser981Asn)

Gene: JAG1 (jagged canonical Notch ligand 1; minus strand). Cytogenetic location: 20p12.2.
Variant type: single nucleotide variant.
Coding change: c.2942G>A on transcript NM_000214.3 (MANE Select); coding-DNA position 2942, G replaced by A.
Protein change: p.Ser981Asn; replaces serine 981 with asparagine.
Molecular consequence: missense variant.
Genome position (GRCh38, 1-based): chr20:10,641,219, C>T on the plus strand (G>A on the coding strand, the complement: JAG1 is on the minus strand). VCF-style: chr20-10641219-C-T. GRCh37 (hg19) VCF-style: chr20-10621867-C-T.
Other names: short protein forms S981N.
Identifiers: ClinVar variation 3907863 (VCV003907863.1).

ClinVar aggregate classification (germline): Uncertain significance (1 of 4 stars; one submission).

Submission:

GeneDx
Classification: Uncertain significance. Last evaluated: 2024-12-21. Review status: criteria provided, single submitter. Criteria: GeneDx Variant Classification Process June 2021. Collection method: clinical testing. Allele origin: germline. Affected: yes.
Comment: Not observed at significant frequency in large population cohorts (gnomAD); In silico analysis indicates that this missense variant does not alter protein structure/function; Has not been previously published as pathogenic or benign to our knowledge